The following is an entry in ClinVar:

ClinVar aggregate classification (germline): Benign. Review status: criteria provided, multiple submitters, no conflicts (2 of 4 stars). 3 submissions from 3 submitters: Benign (2). 1 of the submissions does not count toward it. Last evaluated 2025-08-23.

Conditions:
Nephronophthisis. Also called: Juvenile Nephronophthisis. Identifiers: Orphanet 655, MedGen C0687120, MONDO:0019005, HP:0000090.
IQCB1-related disorder. Also called: IQCB1-related condition.

Allele frequency attached by ClinVar (database versions not stated): gnomAD 0.00001 and 0.00015; TOPMed 0.00005; ESP Exome Variant Server 0.00008; gnomAD exomes 0.00024 and 0.00043; ExAC 0.00053; 1000 Genomes Project 30x 0.00078; 1000 Genomes Project 0.00100.
gnomAD v4.1: 363 of 1,549,894 alleles (0.023%); highest among the groups gnomAD compares: South Asian, 0.36%; 2 homozygotes.

Submissions (3):

Labcorp Genetics (formerly Invitae), Labcorp
Classification: Benign for Nephronophthisis. Last evaluated: 2025-08-23. Review status: criteria provided, single submitter. Criteria: Invitae Variant Classification Sherloc (09022015). Collection method: clinical testing. Allele origin: germline.

Blueprint Genetics
Classification: Benign. Last evaluated: 2024-03-18. Review status: criteria provided, single submitter. Criteria: ACMG Guidelines, 2015. Collection method: clinical testing. Allele origin: germline.

PreventionGenetics, part of Exact Sciences
Classification: Likely benign for IQCB1-related condition. Last evaluated: 2022-03-21. Review status: no assertion criteria provided. Collection method: clinical testing. Allele origin: germline. Not counted in ClinVar's aggregate classification.
Comment: This variant is classified as likely benign based on ACMG/AMP sequence variant interpretation guidelines (Richards et al. 2015 PMID: 25741868, with internal and published modifications).

NM_001023570.4(IQCB1):c.776G>A (p.Arg259His)

Gene: IQCB1 (IQ motif containing B1; minus strand). Cytogenetic location: 3q13.33.
Variant type: single nucleotide variant.
Coding change: c.776G>A on transcript NM_001023570.4 (MANE Select); coding-DNA position 776, G replaced by A.
Protein change: p.Arg259His; replaces arginine 259 with histidine.
Molecular consequence: missense variant. On other transcripts: non-coding transcript variant (1), intron variant (1).
Genome position (GRCh38, 1-based): chr3:121,797,218, C>T on the plus strand (G>A on the coding strand, the complement: IQCB1 is on the minus strand). VCF-style: chr3-121797218-C-T. GRCh37 (hg19) VCF-style: chr3-121516065-C-T.
Other names: c.776G>A, p.Arg259His (NM_001319107.2); c.588-7003G>A (NM_001023571.4); c.776G>A (NM_001023570.3); short protein forms R259H.
Identifiers: ClinVar variation 1166018 (VCV001166018.12), dbSNP rs374034270, ClinGen allele CA2567304.